The following is an entry in ClinVar:

ClinVar aggregate classification (germline): Likely pathogenic. Review status: criteria provided, multiple submitters, no conflicts (2 of 4 stars). 4 submissions from 4 submitters: Likely pathogenic (3). 1 of the submissions does not count toward it. Last evaluated 2024-08-01.

Conditions:
SCN8A-related disorder.
Seizure. Also called: Seizures. Identifiers: MedGen C0036572, HP:0001250.
Early-infantile DEE. Also called: Early infantile epileptic encephalopathy; Ohtahara syndrome; Early infantile epileptic encephalopathy with suppression bursts. Identifiers: Orphanet 1934, MedGen C0393706, MONDO:0800491.

Submissions (4):

CeGaT Center for Human Genetics Tuebingen
Classification: Likely pathogenic. Last evaluated: 2024-08-01. Review status: criteria provided, single submitter. Criteria: CeGaT Center For Human Genetics Tuebingen Variant Classification Criteria Version 2. Collection method: clinical testing. Allele origin: germline. Affected: yes. Observed: 1 variant allele.
Comment: SCN8A: PM1, PM2, PM5, PP2, PP3, PS4:Supporting

Labcorp Genetics (formerly Invitae), Labcorp
Classification: Likely pathogenic for Early-infantile DEE. Last evaluated: 2023-03-23. Review status: criteria provided, single submitter. Criteria: Invitae Variant Classification Sherloc (09022015). Collection method: clinical testing. Allele origin: germline.
Comment: In summary, the currently available evidence indicates that the variant is pathogenic, but additional data are needed to prove that conclusively. Therefore, this variant has been classified as Likely Pathogenic. This sequence change replaces alanine, which is neutral and non-polar, with serine, which is neutral and polar, at codon 1650 of the SCN8A protein (p.Ala1650Ser). This variant is not present in population databases (gnomAD no frequency). This variant has not been reported in the literature in individuals affected with SCN8A-related conditions. ClinVar contains an entry for this variant (Variation ID: 836368). Advanced modeling of protein sequence and biophysical properties (such as structural, functional, and spatial information, amino acid conservation, physicochemical variation, residue mobility, and thermodynamic stability) performed at Invitae indicates that this missense variant is expected to disrupt SCN8A protein function. This variant disrupts the p.Ala1650 amino acid residue in SCN8A. Other variant(s) that disrupt this residue have been determined to be pathogenic (PMID: 24888894, 30171078). This suggests that this residue is clinically significant, and that variants that disrupt this residue are likely to be disease-causing.

Blueprint Genetics
Classification: Likely pathogenic for SCN8A-related disorders. Last evaluated: 2019-10-25. Review status: criteria provided, single submitter. Criteria: ACMG Guidelines, 2015. Collection method: clinical testing. Allele origin: germline. Affected: yes. Observed: 1 variant allele.

Diagnostic Laboratory, Strasbourg University Hospital
Classification: Uncertain significance for Seizure. Review status: no assertion criteria provided. Collection method: clinical testing. Allele origin: germline. Affected: yes. Observed: 1 heterozygote. Not counted in ClinVar's aggregate classification.

Literature cited by the submitters: PubMed 24888894 (cited by Labcorp Genetics (formerly Invitae), Labcorp); PubMed 30171078 (cited by Labcorp Genetics (formerly Invitae), Labcorp).

NM_001330260.2(SCN8A):c.4948G>T (p.Ala1650Ser)

Gene: SCN8A (sodium voltage-gated channel alpha subunit 8; plus strand). Cytogenetic location: 12q13.13.
Variant type: single nucleotide variant.
Coding change: c.4948G>T on transcript NM_001330260.2 (MANE Select); coding-DNA position 4948, G replaced by T.
Protein change: p.Ala1650Ser; replaces alanine 1650 with serine.
Molecular consequence: missense variant.
Genome position (GRCh38, 1-based): chr12:51,806,434, G>T. VCF-style: chr12-51806434-G-T. GRCh37 (hg19) VCF-style: chr12-52200218-G-T.
Other names: c.4825G>T, p.Ala1609Ser (NM_001177984.3, NM_001369788.1); c.4948G>T, p.Ala1650Ser (NM_014191.4); short protein forms A1650S, A1609S.
Identifiers: ClinVar variation 836368 (VCV000836368.27), dbSNP rs879255709, ClinGen allele CA384880647.